The following is an entry in ClinVar:

ClinVar aggregate classification (germline): Uncertain significance (1 of 4 stars; one submission).

Submission:

Labcorp Genetics (formerly Invitae), Labcorp
Classification: Uncertain significance. Last evaluated: 2023-03-14. Review status: criteria provided, single submitter. Criteria: Invitae Variant Classification Sherloc (09022015). Collection method: clinical testing. Allele origin: germline.
Comment: In summary, the available evidence is currently insufficient to determine the role of this variant in disease. Therefore, it has been classified as a Variant of Uncertain Significance. An algorithm developed to predict the effect of missense changes on protein structure and function (PolyPhen-2) suggests that this variant is likely to be disruptive. This variant has not been reported in the literature in individuals affected with TCF20-related conditions. This variant is not present in population databases (gnomAD no frequency). This sequence change replaces histidine, which is basic and polar, with glutamine, which is neutral and polar, at codon 1221 of the TCF20 protein (p.His1221Gln).

NM_001378418.1(TCF20):c.3663T>A (p.His1221Gln)

Gene: TCF20 (transcription factor 20; minus strand). Cytogenetic location: 22q13.2.
Variant type: single nucleotide variant.
Coding change: c.3663T>A on transcript NM_001378418.1 (MANE Select); coding-DNA position 3663, T replaced by A.
Protein change: p.His1221Gln; replaces histidine 1221 with glutamine.
Molecular consequence: missense variant.
Genome position (GRCh38, 1-based): chr22:42,211,643, A>T on the plus strand (T>A on the coding strand, the complement: TCF20 is on the minus strand). VCF-style: chr22-42211643-A-T. GRCh37 (hg19) VCF-style: chr22-42607649-A-T.
Other names: c.3663T>A, p.His1221Gln (NM_005650.4, NM_181492.3); short protein forms H1221Q.
Identifiers: ClinVar variation 2839649 (VCV002839649.3), dbSNP rs2518213902, ClinGen allele CA411785996.